The following is an entry in ClinVar:

ClinVar aggregate classification (germline): Benign/Likely benign. Review status: criteria provided, multiple submitters, no conflicts (2 of 4 stars). 2 submissions from 2 submitters: Benign (1); Likely benign (1). Last evaluated 2025-07-14.

Conditions:
DVL1-related disorder. Also called: DVL1-related condition.

Allele frequency attached by ClinVar (database versions not stated): gnomAD exomes below 0.00001; gnomAD 0.00001; TOPMed 0.00002.
gnomAD v4.1: 7 of 1,569,380 alleles (0.00045%); highest among the groups gnomAD compares: African/African-American, 0.0027%; no homozygotes.

Submissions (2):

Labcorp Genetics (formerly Invitae), Labcorp
Classification: Benign. Last evaluated: 2025-07-14. Review status: criteria provided, single submitter. Criteria: Invitae Variant Classification Sherloc (09022015). Collection method: clinical testing. Allele origin: germline.

PreventionGenetics, part of Exact Sciences
Classification: Likely benign for DVL1-related condition. Last evaluated: 2024-10-24. Review status: criteria provided, single submitter. Criteria: ACMG Guidelines, 2015. Collection method: clinical testing. Allele origin: germline.
Comment: This variant is classified as likely benign based on ACMG/AMP sequence variant interpretation guidelines (Richards et al. 2015 PMID: 25741868, with internal and published modifications).

NM_001330311.2(DVL1):c.466+5A>G

Gene: DVL1 (dishevelled segment polarity protein 1; minus strand). Cytogenetic location: 1p36.33.
Variant type: single nucleotide variant.
Coding change: c.466+5A>G on transcript NM_001330311.2 (MANE Select); 5 bases into the intron after coding-DNA position 466, A replaced by G.
Molecular consequence: intron variant.
Genome position (GRCh38, 1-based): chr1:1,342,048, T>C on the plus strand (A>G on the coding strand, the complement: DVL1 is on the minus strand). VCF-style: chr1-1342048-T-C. GRCh37 (hg19) VCF-style: chr1-1277428-T-C.
Other names: c.466+5A>G (NM_004421.3, NM_004421.2).
Identifiers: ClinVar variation 2182225 (VCV002182225.5), dbSNP rs1469602957, ClinGen allele CA521008928.